The following is an entry in ClinVar:

NM_001042492.3(NF1):c.4684_4685insGTTA (p.Leu1562fs)

Gene: NF1 (neurofibromin 1; plus strand). Cytogenetic location: 17q11.2.
Variant type: Insertion.
Coding change: c.4684_4685insGTTA on transcript NM_001042492.3 (MANE Select); coding-DNA positions 4684 to 4685, GTTA inserted.
Protein change: p.Leu1562fs; shifts the reading frame from leucine 1562.
Molecular consequence: frameshift variant.
Genome position: GRCh38 VCF-style: chr17-31261817-C-CGTTA. GRCh37 (hg19) VCF-style: chr17-29588835-C-CGTTA.
Other names: c.4621_4622insGTTA, p.Leu1541Argfs (NM_000267.4); short protein forms L1541fs, L1562fs.
Identifiers: ClinVar variation 3648955 (VCV003648955.2).
Genomic context (GRCh38, chr17:31,261,817, plus strand): 5'-CTTCTTGCATACCTGGGTCCTCCAGAGCACAAACCTGTGGCAGATACACACTGGTCCAGC[C>CGTTA]TTAACCTTACCAGTTCAAAGTTTGAGGAATTTATGACTAGGTAAAGTACAACCTTGAAAT-3'

ClinVar aggregate classification (germline): Pathogenic (1 of 4 stars; one submission).

Conditions:
Neurofibromatosis, type 1 (NF1). Also called: Peripheral type neurofibromatosis; VON RECKLINGHAUSEN DISEASE; Neurofibromatosis, type I; NEUROFIBROMATOSIS, TYPE I, SOMATIC. Identifiers: Orphanet 636, MedGen C0027831, MONDO:0018975, OMIM 162200. Disease mechanism: loss of function.

Submission:

Labcorp Genetics (formerly Invitae), Labcorp
Classification: Pathogenic for Neurofibromatosis, type 1. Last evaluated: 2024-04-06. Review status: criteria provided, single submitter. Criteria: Invitae Variant Classification Sherloc (09022015). Collection method: clinical testing. Allele origin: germline.
Comment: This sequence change creates a premature translational stop signal (p.Leu1541Argfs*3) in the NF1 gene. It is expected to result in an absent or disrupted protein product. Loss-of-function variants in NF1 are known to be pathogenic (PMID: 10712197, 23913538). This variant is not present in population databases (gnomAD no frequency). This variant has not been reported in the literature in individuals affected with NF1-related conditions. Algorithms developed to predict the effect of sequence changes on RNA splicing suggest that this variant may disrupt the consensus splice site. For these reasons, this variant has been classified as Pathogenic.

Literature cited by the submitters: PubMed 10712197; PubMed 23913538.